The following is an entry in ClinVar:

ClinVar aggregate classification (germline): Uncertain significance (1 of 4 stars; one submission).

gnomAD v4.1: 1 of 1,613,948 alleles (0.000062%); highest among the groups gnomAD compares: Non-Finnish European, 0.000085%; no homozygotes.

Submission:

Women's Health and Genetics/Laboratory Corporation of America, LabCorp
Classification: Uncertain significance. Last evaluated: 2026-05-28. Review status: criteria provided, single submitter. Criteria: LabCorp Variant Classification Summary - May 2015. Collection method: clinical testing. Allele origin: germline.
Comment: Variant summary: RAB7A c.180+5G>A alters a nucleotide located close to a canonical splice site and therefore could affect mRNA splicing, leading to a significantly altered protein sequence. Several computational tools predict a significant impact on normal splicing: Four predict the variant weakens a 5' donor site. However, these predictions have yet to be confirmed by functional studies. The variant was absent in 251456 control chromosomes. The available data on variant occurrences in the general population are insufficient to allow any conclusion about variant significance. To our knowledge, no occurrence of c.180+5G>A in individuals affected with RAB7A-related conditions and no experimental evidence demonstrating its impact on protein function have been reported. No submitters have cited clinical-significance assessments for this variant to ClinVar. Based on the evidence outlined above, the variant was classified as uncertain significance.

NM_004637.6(RAB7A):c.180+5G>A

Gene: RAB7A (RAB7A, member RAS oncogene family; plus strand). Cytogenetic location: 3q21.3.
Variant type: single nucleotide variant.
Coding change: c.180+5G>A on transcript NM_004637.6 (MANE Select); 5 bases into the intron after coding-DNA position 180, G replaced by A.
Molecular consequence: intron variant.
Genome position (GRCh38, 1-based): chr3:128,798,074, G>A. VCF-style: chr3-128798074-G-A. GRCh37 (hg19) VCF-style: chr3-128516917-G-A.
Identifiers: ClinVar variation 4853375 (VCV004853375.1).